The following is an entry in ClinVar:

NM_001312673.2(PCYT1A):c.1062C>G (p.His354Gln)

Gene: PCYT1A (phosphate cytidylyltransferase 1A, choline; minus strand). Cytogenetic location: 3q29.
Variant type: single nucleotide variant.
Coding change: c.1062C>G on transcript NM_001312673.2 (MANE Select); coding-DNA position 1062, C replaced by G.
Protein change: p.His354Gln; replaces histidine 354 with glutamine.
Molecular consequence: missense variant.
Genome position (GRCh38, 1-based): chr3:196,238,730, G>C on the plus strand (C>G on the coding strand, the complement: PCYT1A is on the minus strand). VCF-style: chr3-196238730-G-C. GRCh37 (hg19) VCF-style: chr3-195965601-G-C.
Other names: c.1062C>G, p.His354Gln (NM_005017.4); short protein forms H354Q.
Identifiers: ClinVar variation 2065984 (VCV002065984.4), dbSNP rs780201072, ClinGen allele CA2779332.

ClinVar aggregate classification (germline): Uncertain significance (1 of 4 stars; one submission).

Allele frequency attached by ClinVar (database versions not stated): ExAC 0.00002.
gnomAD v4.1: 4 of 1,591,452 alleles (0.00025%); highest among the groups gnomAD compares: Admixed American, 0.0053%; no homozygotes.

Submission:

Labcorp Genetics (formerly Invitae), Labcorp
Classification: Uncertain significance. Last evaluated: 2022-02-01. Review status: criteria provided, single submitter. Criteria: Invitae Variant Classification Sherloc (09022015). Collection method: clinical testing. Allele origin: germline.
Comment: In summary, the available evidence is currently insufficient to determine the role of this variant in disease. Therefore, it has been classified as a Variant of Uncertain Significance. Advanced modeling of protein sequence and biophysical properties (such as structural, functional, and spatial information, amino acid conservation, physicochemical variation, residue mobility, and thermodynamic stability) performed at Invitae indicates that this missense variant is not expected to disrupt PCYT1A protein function. This variant has not been reported in the literature in individuals affected with PCYT1A-related conditions. This variant is present in population databases (rs780201072, gnomAD 0.01%). This sequence change replaces histidine, which is basic and polar, with glutamine, which is neutral and polar, at codon 354 of the PCYT1A protein (p.His354Gln).